The following is an entry in ClinVar:

ClinVar aggregate classification (germline): Conflicting classifications of pathogenicity. Review status: criteria provided, conflicting classifications (1 of 4 stars). 2 submissions from 2 submitters: Pathogenic (1); Uncertain significance (1). Last evaluated 2023-12-02.

Conditions:
Wilson disease (WND). Also called: Wilson's disease. Identifiers: Orphanet 905, MedGen C0019202, MONDO:0010200, OMIM 277900. Disease mechanism: loss of function.

Submissions (2):

Labcorp Genetics (formerly Invitae), Labcorp
Classification: Pathogenic for Wilson disease. Last evaluated: 2023-12-02. Review status: criteria provided, single submitter. Criteria: Invitae Variant Classification Sherloc (09022015). Collection method: clinical testing. Allele origin: germline.
Comment: This variant, c.3942_3947delinsAGA, is a complex sequence change that results in the deletion of 2 and insertion of 1 amino acid(s) in the ATP7B protein (p.Lys1315_Arg1316delinsGlu). Information on the frequency of this variant in the gnomAD database is not available, as this variant may be reported differently in the database. This variant has been observed in individual(s) with Wilson disease (PMID: 19484379; Invitae). In at least one individual the data is consistent with being in trans (on the opposite chromosome) from a pathogenic variant. Experimental studies and prediction algorithms are not available or were not evaluated, and the functional significance of this variant is currently unknown. For these reasons, this variant has been classified as Pathogenic.

Mayo Clinic Laboratories, Mayo Clinic
Classification: Uncertain significance. Last evaluated: 2019-10-08. Review status: criteria provided, single submitter. Criteria: ACMG Guidelines, 2015. Collection method: clinical testing. Allele origin: germline. Observed: 1 variant allele.

Literature cited by the submitters: PubMed 19484379 (cited by Labcorp Genetics (formerly Invitae), Labcorp).

NM_000053.4(ATP7B):c.3942_3947delinsAGA (p.Lys1315_Arg1316delinsGlu)

Gene: ATP7B (ATPase copper transporting beta; minus strand). Cytogenetic location: 13q14.3.
Variant type: Indel.
Coding change: c.3942_3947delinsAGA on transcript NM_000053.4 (MANE Select); coding-DNA positions 3942 to 3947, CAAGAG replaced by AGA.
Protein change: p.Lys1315_Arg1316delinsGlu.
Molecular consequence: inframe indel.
Genome position (GRCh38, 1-based): chr13:51,937,350-51,937,355, CTCTTG replaced by TCT on the plus strand (CAAGAG replaced by AGA on the coding strand, the reverse complement: ATP7B is on the minus strand). VCF-style: chr13-51937350-CTCTTG-TCT. GRCh37 (hg19) VCF-style: chr13-52511486-CTCTTG-TCT.
Other names: c.3321_3326delinsAGA, p.Lys1108_Arg1109delinsGlu (NM_001005918.3); c.3609_3614delinsAGA, p.Lys1204_Arg1205delinsGlu (NM_001243182.2); c.3708_3713delinsAGA, p.Lys1237_Arg1238delinsGlu (NM_001330578.2); c.3690_3695delinsAGA, p.Lys1231_Arg1232delinsGlu (NM_001330579.2).
Identifiers: ClinVar variation 1163064 (VCV001163064.9), dbSNP rs2138562773, ClinGen allele CA2499222484.
Genomic context (GRCh38, chr13:51,937,350, plus strand): 5'-ATCCCAACCAGGTTATAAATCAGTGCCAGGACCAGGTTGATGCGTATCCTTCGGACAGTC[CTCTTG>TCT]GAAAGGTGAATGCTAGCCACCACATCCAGCAAATCATTCTGATGGAGAGGAGCACACAGT-3'